The following is an entry in ClinVar:

NM_004204.5(PIGQ):c.325G>A (p.Ala109Thr)

Gene: PIGQ (phosphatidylinositol glycan anchor biosynthesis class Q; plus strand). Cytogenetic location: 16p13.3.
Variant type: single nucleotide variant.
Coding change: c.325G>A on transcript NM_004204.5 (MANE Select); coding-DNA position 325, G replaced by A.
Protein change: p.Ala109Thr; replaces alanine 109 with threonine.
Molecular consequence: missense variant.
Genome position (GRCh38, 1-based): chr16:574,399, G>A. VCF-style: chr16-574399-G-A. GRCh37 (hg19) VCF-style: chr16-624399-G-A.
Other names: c.325G>A (NM_148920.1); c.325G>A, p.Ala109Thr (NM_148920.4); short protein forms A109T.
Identifiers: ClinVar variation 1370636 (VCV001370636.10), dbSNP rs767785877, ClinGen allele CA7779836.
Genomic context (GRCh38, chr16:574,399, plus strand): 5'-CCCCATGAGCCCTGGCTGCGGCTGTGCCGGGAGAGAGGCGGCACGTTCTGGAGCTGCGAG[G>A]CCACCCACCGGCAAGCGCCCACTGCCCCCGGTGCCCCTGGTGAGGACCAGGTCATGCTCA-3'
Protein context (NP_004195.2, residues 99-119): ERGGTFWSCE[Ala109Thr]THRQAPTAPG

ClinVar aggregate classification (germline): Conflicting classifications of pathogenicity. Review status: criteria provided, conflicting classifications (1 of 4 stars). 3 submissions from 3 submitters: Uncertain significance (2); Likely benign (1). Last evaluated 2024-10-28.

Conditions:
Developmental and epileptic encephalopathy, 77. Also called: EPILEPTIC ENCEPHALOPATHY, EARLY INFANTILE, 77; GLYCOSYLPHOSPHATIDYLINOSITOL BIOSYNTHESIS DEFECT 19; MULTIPLE CONGENITAL ANOMALIES-HYPOTONIA-SEIZURES SYNDROME 4. Identifiers: MedGen C5231405, MONDO:0032808, OMIM 618548.
Inborn genetic diseases. Identifiers: MedGen C0950123, MeSH D030342.
Epilepsy. Also called: Seizure disorder. Identifiers: MedGen C0014544, MeSH D004827, MONDO:0005027.

Allele frequency attached by ClinVar (database versions not stated): gnomAD 0.00001; gnomAD exomes 0.00003 and 0.00005; ExAC 0.00005.
gnomAD v4.1: 43 of 1,610,366 alleles (0.0027%); highest among the groups gnomAD compares: South Asian, 0.047%; no homozygotes.

Submissions (3):

Ambry Genetics
Classification: Uncertain significance for Inborn genetic diseases. Last evaluated: 2024-10-28. Review status: criteria provided, single submitter. Criteria: Ambry Variant Classification Scheme 2023. Collection method: clinical testing. Allele origin: germline.

3billion
Classification: Likely benign for Developmental and epileptic encephalopathy, 77. Last evaluated: 2024-09-20. Review status: criteria provided, single submitter. Criteria: ACMG Guidelines, 2015. Collection method: clinical testing. Allele origin: germline. Affected: no.
Comment: The homozygous variant was found in patients diagnosed with another variant in a different gene, with no symptoms related to the gene containing the homozygous variant.

Labcorp Genetics (formerly Invitae), Labcorp
Classification: Uncertain significance for Epilepsy. Last evaluated: 2022-09-01. Review status: criteria provided, single submitter. Criteria: Invitae Variant Classification Sherloc (09022015). Collection method: clinical testing. Allele origin: germline.
Comment: In summary, the available evidence is currently insufficient to determine the role of this variant in disease. Therefore, it has been classified as a Variant of Uncertain Significance. Algorithms developed to predict the effect of missense changes on protein structure and function output the following: SIFT: "Tolerated"; PolyPhen-2: "Benign"; Align-GVGD: "Class C0". The threonine amino acid residue is found in multiple mammalian species, which suggests that this missense change does not adversely affect protein function. ClinVar contains an entry for this variant (Variation ID: 1370636). This variant has not been reported in the literature in individuals affected with PIGQ-related conditions. This variant is present in population databases (rs767785877, gnomAD 0.04%). This sequence change replaces alanine, which is neutral and non-polar, with threonine, which is neutral and polar, at codon 109 of the PIGQ protein (p.Ala109Thr).